The following is an entry in ClinVar:

NM_001103.4(ACTN2):c.536+270G>A

Gene: ACTN2 (actinin alpha 2; plus strand). Cytogenetic location: 1q43.
Variant type: single nucleotide variant.
Coding change: c.536+270G>A on transcript NM_001103.4 (MANE Select); 270 bases into the intron after coding-DNA position 536, G replaced by A.
Molecular consequence: intron variant.
Genome position (GRCh38, 1-based): chr1:236,726,290, G>A. VCF-style: chr1-236726290-G-A. GRCh37 (hg19) VCF-style: chr1-236889590-G-A.
Other names: c.-286+270G>A (NM_001278344.2); c.536+270G>A (NM_001278343.2).
Identifiers: ClinVar variation 671407 (VCV000671407.1), dbSNP rs74146240, ClinGen allele CA15090764.

ClinVar aggregate classification (germline): Benign (1 of 4 stars; one submission).

Allele frequency attached by ClinVar (database versions not stated): gnomAD 0.02217 and 0.02389; TOPMed 0.02561; 1000 Genomes Project 0.02596; 1000 Genomes Project 30x 0.02842.
gnomAD v4.1: 3,344 of 152,266 alleles (2.2%); highest among the groups gnomAD compares: African/African-American, 7.5%; 120 homozygotes.

Submission:

GeneDx
Classification: Benign. Last evaluated: 2018-06-14. Review status: criteria provided, single submitter. Criteria: GeneDx Variant Classification (06012015). Collection method: clinical testing. Allele origin: germline. Affected: yes.
Comment: This variant is considered likely benign or benign based on one or more of the following criteria: it is a conservative change, it occurs at a poorly conserved position in the protein, it is predicted to be benign by multiple in silico algorithms, and/or has population frequency not consistent with disease.